The following is an entry in ClinVar:

NM_032271.3(TRAF7):c.1921C>T (p.Arg641Cys)

Gene: TRAF7 (TNF receptor associated factor 7; plus strand). Cytogenetic location: 16p13.3.
Variant type: single nucleotide variant.
Coding change: c.1921C>T on transcript NM_032271.3 (MANE Select); coding-DNA position 1921, C replaced by T.
Protein change: p.Arg641Cys; replaces arginine 641 with cysteine.
Molecular consequence: missense variant.
Genome position (GRCh38, 1-based): chr16:2,176,307, C>T. VCF-style: chr16-2176307-C-T. GRCh37 (hg19) VCF-style: chr16-2226308-C-T.
Other names: short protein forms R641C.
Identifiers: ClinVar variation 3897755 (VCV003897755.1).

ClinVar aggregate classification (oncogenicity): Uncertain significance (1 of 4 stars; one submission).

Conditions:
Meningioma. Also called: Meningioma, somatic. Identifiers: Orphanet 2495, MedGen C0025286, MONDO:0016642, HP:0002858.

Submission:

Dr. Guy Rouleau's laboratory, McGill University
Classification: Uncertain significance for Meningioma. Last evaluated: 2025-03-30. Review status: criteria provided, single submitter. Criteria: ClinGen/CGC/VICC Guidelines for Oncogenicity, 2022. Collection method: research. Allele origin: somatic. Affected: yes.
Comment: This missense variant, located at position 641 in the TRAF7 gene, results in the substitution of Arginine (R), a basic amino acid, with Cysteine (C), a sulfur-containing amino acid. This somatic variant was identified in a paired tumor-blood sequencing study of meningiomas. It has been reported in meningiomas (PMIDs: 35733823, 35984495,37043537). However, it has not been documented in population databases (gnomAD v2.1.1: no frequency).